The following is an entry in ClinVar:

ClinVar aggregate classification (germline): Uncertain significance (1 of 4 stars; one submission).

gnomAD v4.1: 3 of 1,614,180 alleles (0.00019%); highest among the groups gnomAD compares: Admixed American, 0.005%; no homozygotes.

Submission:

Labcorp Genetics (formerly Invitae), Labcorp
Classification: Uncertain significance. Last evaluated: 2026-01-12. Review status: criteria provided, single submitter. Criteria: Invitae Variant Classification Sherloc (09022015). Collection method: clinical testing. Allele origin: germline.
Comment: This sequence change replaces arginine, which is basic and polar, with leucine, which is neutral and non-polar, at codon 180 of the SLC9A3R1 protein (p.Arg180Leu). This variant is present in population databases (rs146832150, gnomAD 0.009%). This variant has not been reported in the literature in individuals affected with SLC9A3R1-related conditions. ClinVar contains an entry for this variant (Variation ID: 1443728). An algorithm developed to predict the effect of missense changes on protein structure and function (PolyPhen-2) suggests that this variant is likely to be disruptive. In summary, the available evidence is currently insufficient to determine the role of this variant in disease. Therefore, it has been classified as a Variant of Uncertain Significance.

NM_004252.5(NHERF1):c.539G>T (p.Arg180Leu)

Gene: NHERF1 (NHERF family PDZ scaffold protein 1; plus strand). Cytogenetic location: 17q25.1.
Variant type: single nucleotide variant.
Coding change: c.539G>T on transcript NM_004252.5 (MANE Select); coding-DNA position 539, G replaced by T.
Protein change: p.Arg180Leu; replaces arginine 180 with leucine.
Molecular consequence: missense variant.
Genome position (GRCh38, 1-based): chr17:74,762,109, G>T. VCF-style: chr17-74762109-G-T. GRCh37 (hg19) VCF-style: chr17-72758248-G-T.
Other names: short protein forms R180L.
Identifiers: ClinVar variation 1443728 (VCV001443728.7), dbSNP rs146832150, ClinGen allele CA8750617.